The following is an entry in ClinVar:

NM_020693.4(DSCAML1):c.2497C>T (p.Arg833Cys)

Gene: DSCAML1 (DS cell adhesion molecule like 1; minus strand). Cytogenetic location: 11q23.3.
Variant type: single nucleotide variant.
Coding change: c.2497C>T on transcript NM_020693.4 (MANE Select); coding-DNA position 2497, C replaced by T.
Protein change: p.Arg833Cys; replaces arginine 833 with cysteine.
Molecular consequence: missense variant.
Genome position (GRCh38, 1-based): chr11:117,482,025, G>A on the plus strand (C>T on the coding strand, the complement: DSCAML1 is on the minus strand). VCF-style: chr11-117482025-G-A. GRCh37 (hg19) VCF-style: chr11-117352740-G-A.
Other names: c.2497C>T, p.Arg833Cys (NM_001367904.1); short protein forms R833C.
Identifiers: ClinVar variation 1465182 (VCV001465182.6), dbSNP rs764993619, ClinGen allele CA6296998.

ClinVar aggregate classification (germline): Uncertain significance (1 of 4 stars; one submission).

Allele frequency attached by ClinVar (database versions not stated): gnomAD 0.00002; gnomAD exomes 0.00002 and 0.00005; TOPMed 0.00002; ExAC 0.00001.
gnomAD v4.1: 72 of 1,614,052 alleles (0.0045%); highest among the groups gnomAD compares: Non-Finnish European, 0.0054%; no homozygotes.

Submission:

Labcorp Genetics (formerly Invitae), Labcorp
Classification: Uncertain significance. Last evaluated: 2025-07-21. Review status: criteria provided, single submitter. Criteria: Invitae Variant Classification Sherloc (09022015). Collection method: clinical testing. Allele origin: germline.
Comment: This sequence change replaces arginine, which is basic and polar, with cysteine, which is neutral and slightly polar, at codon 893 of the DSCAML1 protein (p.Arg893Cys). This variant is present in population databases (rs764993619, gnomAD 0.01%). This variant has not been reported in the literature in individuals affected with DSCAML1-related conditions. ClinVar contains an entry for this variant (Variation ID: 1465182). An algorithm developed to predict the effect of missense changes on protein structure and function (PolyPhen-2) suggests that this variant is likely to be disruptive. In summary, the available evidence is currently insufficient to determine the role of this variant in disease. Therefore, it has been classified as a Variant of Uncertain Significance.